The following is an entry in ClinVar:

NM_014489.4(PGAP2):c.646G>A (p.Gly216Arg)

Gene: PGAP2 (post-GPI attachment to proteins 2; plus strand). Cytogenetic location: 11p15.4.
Variant type: single nucleotide variant.
Coding change: c.646G>A on transcript NM_014489.4 (MANE Select); coding-DNA position 646, G replaced by A.
Protein change: p.Gly216Arg; replaces glycine 216 with arginine.
Molecular consequence: missense variant. On other transcripts: non-coding transcript variant (15).
Genome position (GRCh38, 1-based): chr11:3,824,314, G>A. VCF-style: chr11-3824314-G-A. GRCh37 (hg19) VCF-style: chr11-3845544-G-A.
Other names: c.473G>A, p.Arg158Gln (NM_001346399.2, NM_001346401.2); c.463G>A, p.Gly155Arg (NM_001346400.2, NM_001346404.1, NM_001346405.1 and 7 more transcripts); c.583G>A, p.Gly195Arg (NM_001346402.2); c.646G>A, p.Gly216Arg (NM_001346403.1, NM_001256236.2); c.517G>A, p.Gly173Arg (NM_001256235.2); c.386G>A, p.Arg129Gln (NM_001283039.2); c.206G>A, p.Arg69Gln (NM_001283040.1); c.616G>A, p.Gly206Arg (NM_001346397.2); short protein forms G173R, G273R, R69Q, G155R, G206R, R158Q, G195R, G212R.
Identifiers: ClinVar variation 424971 (VCV000424971.45), dbSNP rs1064797152, ClinGen allele CA16621615.

ClinVar aggregate classification (germline): Conflicting classifications of pathogenicity. Review status: criteria provided, conflicting classifications (1 of 4 stars). 3 submissions from 3 submitters: Pathogenic (1); Uncertain significance (2). Last evaluated 2026-05-19.

Conditions:
Hyperphosphatasia with impaired intellectual development syndrome 1. Also called: MABRY SYNDROME; GLYCOSYLPHOSPHATIDYLINOSITOL BIOSYNTHESIS DEFECT 2; Hyperphosphatasia with intellectual disability syndrome 1. Identifiers: Orphanet 247262, MedGen C4551502, MONDO:0009398, OMIM 239300.
Hyperphosphatasia with impaired intellectual development syndrome 3. Also called: GLYCOSYLPHOSPHATIDYLINOSITOL BIOSYNTHESIS DEFECT 8; Hyperphosphatasia with intellectual disability syndrome 3. Identifiers: Orphanet 247262, MedGen C3280153, MONDO:0013628, OMIM 614207.

Allele frequency attached by ClinVar (database versions not stated): gnomAD exomes below 0.00001 and 0.00001; TOPMed 0.00001; gnomAD 0.00001.
gnomAD v4.1: 14 of 1,614,022 alleles (0.00087%); highest among the groups gnomAD compares: Non-Finnish European, 0.0011%; no homozygotes.

Submissions (3):

Institute of Human Genetics, University of Leipzig Medical Center
Classification: Uncertain significance for Hyperphosphatasia with impaired intellectual development syndrome 1. Last evaluated: 2026-05-19. Review status: criteria provided, single submitter. Criteria: ACMG Guidelines, 2015. Collection method: clinical testing. Allele origin: unknown. Inheritance: Autosomal recessive inheritance. Affected: yes.
Comment: Criteria applied: PM2,PP3

Institute of Experimental Medicine, Department of Genetics, Istanbul University
Classification: Pathogenic for Hyperphosphatasia with impaired intellectual development syndrome 3. Last evaluated: 2023-07-08. Review status: criteria provided, single submitter. Criteria: ACMG Guidelines, 2015. Collection method: research. Allele origin: germline. Affected: yes. Observed: 2 variant alleles.

CeGaT Center for Human Genetics Tuebingen
Classification: Uncertain significance. Last evaluated: 2016-12-01. Review status: criteria provided, single submitter. Criteria: CeGaT Center For Human Genetics Tuebingen Variant Classification Criteria Version 2. Collection method: clinical testing. Allele origin: germline. Affected: yes. Observed: 1 variant allele.